The following is an entry in ClinVar:

NM_021870.3(FGG):c.*480G>T

Gene: FGG (fibrinogen gamma chain; minus strand). Cytogenetic location: 4q32.1.
Variant type: single nucleotide variant.
Coding change: c.*480G>T on transcript NM_021870.3 (MANE Select); 480 bases downstream of the stop codon, G replaced by T.
Molecular consequence: 3 prime UTR variant. On other transcripts: missense variant (1).
Genome position (GRCh38, 1-based): chr4:154,604,354, C>A on the plus strand (G>T on the coding strand, the complement: FGG is on the minus strand). VCF-style: chr4-154604354-C-A. GRCh37 (hg19) VCF-style: chr4-155525506-C-A.
Other names: c.1300G>T, p.Ala434Ser (NM_000509.6); short protein forms A434S.
Identifiers: ClinVar variation 2136246 (VCV002136246.2), dbSNP rs375111958, ClinGen allele CA3115438.

ClinVar aggregate classification (germline): Uncertain significance (1 of 4 stars; one submission).

Allele frequency attached by ClinVar (database versions not stated): TOPMed below 0.00001; gnomAD 0.00001; gnomAD exomes 0.00002; ESP Exome Variant Server 0.00009.
gnomAD v4.1: 28 of 1,505,886 alleles (0.0019%); highest among the groups gnomAD compares: Non-Finnish European, 0.0024%; no homozygotes.

Submission:

GeneDx
Classification: Uncertain significance. Last evaluated: 2024-06-15. Review status: criteria provided, single submitter. Criteria: GeneDx Variant Classification Process June 2021. Collection method: clinical testing. Allele origin: germline. Affected: yes.
Comment: In silico analysis supports a deleterious effect on splicing; In silico analysis indicates that this missense variant does not alter protein structure/function; Has not been previously published as pathogenic or benign to our knowledge